The following is an entry in ClinVar:

ClinVar aggregate classification (germline): Uncertain significance. Review status: criteria provided, multiple submitters, no conflicts (2 of 4 stars). 2 submissions from 2 submitters: Uncertain significance (2). Last evaluated 2023-02-27.

Conditions:
Primary immunodeficiency with post-measles-mumps-rubella vaccine viral infection. Also called: Immunodeficiency 44. Identifiers: Orphanet 431166, MedGen C4225260, MONDO:0014715, OMIM 616636.
Inborn genetic diseases. Identifiers: MedGen C0950123, MeSH D030342.

Allele frequency attached by ClinVar (database versions not stated): ExAC 0.00001; gnomAD 0.00001; gnomAD exomes 0.00002; TOPMed 0.00002; ESP Exome Variant Server 0.00008.
gnomAD v4.1: 29 of 1,614,088 alleles (0.0018%); highest among the groups gnomAD compares: Non-Finnish European, 0.0023%; no homozygotes.

Submissions (2):

Ambry Genetics
Classification: Uncertain significance for Inborn genetic diseases. Last evaluated: 2023-02-27. Review status: criteria provided, single submitter. Criteria: Ambry Variant Classification Scheme 2023. Collection method: clinical testing. Allele origin: germline.

Labcorp Genetics (formerly Invitae), Labcorp
Classification: Uncertain significance for Primary immunodeficiency with post-measles-mumps-rubella vaccine viral infection. Last evaluated: 2021-04-17. Review status: criteria provided, single submitter. Criteria: Invitae Variant Classification Sherloc (09022015). Collection method: clinical testing. Allele origin: germline.
Comment: In summary, the available evidence is currently insufficient to determine the role of this variant in disease. Therefore, it has been classified as a Variant of Uncertain Significance. Advanced modeling of protein sequence and biophysical properties (such as structural, functional, and spatial information, amino acid conservation, physicochemical variation, residue mobility, and thermodynamic stability) performed at Invitae indicates that this missense variant is expected to disrupt STAT2 protein function. This variant has not been reported in the literature in individuals with STAT2-related conditions. This variant is present in population databases (rs369986109, ExAC 0.001%). This sequence change replaces proline with serine at codon 657 of the STAT2 protein (p.Pro657Ser). The proline residue is highly conserved and there is a moderate physicochemical difference between proline and serine.

NM_005419.4(STAT2):c.1969C>T (p.Pro657Ser)

Gene: STAT2 (signal transducer and activator of transcription 2; minus strand). Cytogenetic location: 12q13.3.
Variant type: single nucleotide variant.
Coding change: c.1969C>T on transcript NM_005419.4 (MANE Select); coding-DNA position 1969, C replaced by T.
Protein change: p.Pro657Ser; replaces proline 657 with serine.
Molecular consequence: missense variant.
Genome position (GRCh38, 1-based): chr12:56,346,517, G>A on the plus strand (C>T on the coding strand, the complement: STAT2 is on the minus strand). VCF-style: chr12-56346517-G-A. GRCh37 (hg19) VCF-style: chr12-56740301-G-A.
Other names: c.1969C>T (NM_005419.3); c.1936C>T, p.Pro646Ser (NM_001385110.1); c.1870C>T, p.Pro624Ser (NM_001385111.1); c.1969C>T, p.Pro657Ser (NM_001385113.1); c.1948C>T, p.Pro650Ser (NM_001385114.1); c.1927C>T, p.Pro643Ser (NM_001385115.1); c.1957C>T, p.Pro653Ser (NM_198332.2); short protein forms P643S, P624S, P650S, P653S, P646S, P657S.
Identifiers: ClinVar variation 1380391 (VCV001380391.9), dbSNP rs369986109, ClinGen allele CA6630354.